The following is an entry in ClinVar:

NM_001126108.2(SLC12A3):c.46_47del (p.Cys16fs)

Gene: SLC12A3 (solute carrier family 12 member 3; plus strand). Cytogenetic location: 16q13.
Variant type: Microsatellite.
Coding change: c.46_47del on transcript NM_001126108.2 (MANE Select); coding-DNA positions 46 to 47, 2 bases deleted (TG; older notation c.46_47delTG).
Protein change: p.Cys16fs; shifts the reading frame from cysteine 16.
Molecular consequence: frameshift variant.
Genome position (GRCh38, 1-based): chr16:56,865,281-56,865,282, TG deleted; deleting any 2 consecutive bases within chr16:56,865,279-56,865,282 gives the same sequence; the c. name uses the placement nearest the transcript's 3' end. VCF-style (leftmost placement, unchanged base first): chr16-56865278-TTG-T. GRCh37 (hg19) VCF-style: chr16-56899190-TTG-T.
Other names: c.46_47del, p.Cys16fs (NM_000339.3, NM_001126107.2); short protein forms C16fs.
Identifiers: ClinVar variation 1459093 (VCV001459093.6), dbSNP rs1567423490, ClinGen allele CA919713862.

ClinVar aggregate classification (germline): Pathogenic (1 of 4 stars; one submission).

Submission:

Labcorp Genetics (formerly Invitae), Labcorp
Classification: Pathogenic. Last evaluated: 2025-01-05. Review status: criteria provided, single submitter. Criteria: Invitae Variant Classification Sherloc (09022015). Collection method: clinical testing. Allele origin: germline.
Comment: This sequence change creates a premature translational stop signal (p.Cys16Glnfs*13) in the SLC12A3 gene. It is expected to result in an absent or disrupted protein product. Loss-of-function variants in SLC12A3 are known to be pathogenic (PMID: 20848653, 22009145, 25841442). This variant is not present in population databases (gnomAD no frequency). This premature translational stop signal has been observed in individual(s) with Gitelman syndrome (PMID: 8900229). For these reasons, this variant has been classified as Pathogenic.

Literature cited by the submitters: PubMed 20848653; PubMed 22009145; PubMed 25841442; PubMed 8900229.